The following is an entry in ClinVar:

NM_003906.5(MCM3AP):c.4291-2A>C

Genes: MCM3AP (minichromosome maintenance complex component 3 associated protein; minus strand), MCM3AP-AS1 (MCM3AP antisense RNA 1; plus strand). Cytogenetic location: 21q22.3.
Variant type: single nucleotide variant.
Coding change: c.4291-2A>C on transcript NM_003906.5 (MANE Select); the canonical splice acceptor site of the intron before coding-DNA position 4291, A replaced by C.
Molecular consequence: splice acceptor variant.
Genome position (GRCh38, 1-based): chr21:46,246,888, T>G on the plus strand (A>C on the coding strand, the complement: MCM3AP is on the minus strand). VCF-style: chr21-46246888-T-G. GRCh37 (hg19) VCF-style: chr21-47666802-T-G.
Identifiers: ClinVar variation 2040272 (VCV002040272.4), dbSNP rs2517329524, ClinGen allele CA410545874.

ClinVar aggregate classification (germline): Likely pathogenic (1 of 4 stars; one submission).

Submission:

Labcorp Genetics (formerly Invitae), Labcorp
Classification: Likely pathogenic. Last evaluated: 2021-12-21. Review status: criteria provided, single submitter. Criteria: Invitae Variant Classification Sherloc (09022015). Collection method: clinical testing. Allele origin: germline.
Comment: In summary, the currently available evidence indicates that the variant is pathogenic, but additional data are needed to prove that conclusively. Therefore, this variant has been classified as Likely Pathogenic. Algorithms developed to predict the effect of sequence changes on RNA splicing suggest that this variant may disrupt the consensus splice site. This variant has not been reported in the literature in individuals affected with MCM3AP-related conditions. This variant is not present in population databases (gnomAD no frequency). This sequence change affects an acceptor splice site in intron 20 of the MCM3AP gene. It is expected to disrupt RNA splicing. Variants that disrupt the donor or acceptor splice site typically lead to a loss of protein function (PMID: 16199547), and loss-of-function variants in MCM3AP are known to be pathogenic (PMID: 28633435).

Literature cited by the submitters: PubMed 16199547; PubMed 28633435.